The following is an entry in ClinVar:

ClinVar aggregate classification (germline): Uncertain significance (1 of 4 stars; one submission).

Conditions:
Hypertrophic cardiomyopathy 14. Identifiers: MedGen C2750467, MONDO:0013197, OMIM 613251.

Allele frequency attached by ClinVar (database versions not stated): gnomAD exomes 0.00001.
gnomAD v4.1: 3 of 1,613,954 alleles (0.00019%); highest among the groups gnomAD compares: Non-Finnish European, 0.00025%; no homozygotes.

Submission:

Labcorp Genetics (formerly Invitae), Labcorp
Classification: Uncertain significance for Hypertrophic cardiomyopathy 14. Last evaluated: 2022-08-21. Review status: criteria provided, single submitter. Criteria: Invitae Variant Classification Sherloc (09022015). Collection method: clinical testing. Allele origin: germline.
Comment: In summary, the available evidence is currently insufficient to determine the role of this variant in disease. Therefore, it has been classified as a Variant of Uncertain Significance. Algorithms developed to predict the effect of missense changes on protein structure and function are either unavailable or do not agree on the potential impact of this missense change (SIFT: "Deleterious"; PolyPhen-2: "Probably Damaging"; Align-GVGD: "Class C0"). This variant has not been reported in the literature in individuals affected with MYH6-related conditions. This variant is not present in population databases (gnomAD no frequency). This sequence change replaces valine, which is neutral and non-polar, with methionine, which is neutral and non-polar, at codon 274 of the MYH6 protein (p.Val274Met).

NM_002471.4(MYH6):c.820G>A (p.Val274Met)

Gene: MYH6 (myosin heavy chain 6; minus strand). Cytogenetic location: 14q11.2.
Variant type: single nucleotide variant.
Coding change: c.820G>A on transcript NM_002471.4 (MANE Select); coding-DNA position 820, G replaced by A.
Protein change: p.Val274Met; replaces valine 274 with methionine.
Molecular consequence: missense variant.
Genome position (GRCh38, 1-based): chr14:23,403,426, C>T on the plus strand (G>A on the coding strand, the complement: MYH6 is on the minus strand). VCF-style: chr14-23403426-C-T. GRCh37 (hg19) VCF-style: chr14-23872635-C-T.
Other names: short protein forms V274M.
Identifiers: ClinVar variation 1912074 (VCV001912074.5), dbSNP rs2502200929, ClinGen allele CA389028384.